The following is an entry in ClinVar:

NC_000009.12:g.35658023_35658040dup

Gene: RMRP (RNA component of mitochondrial RNA processing endoribonuclease; minus strand). Cytogenetic location: 9p13.3.
Variant type: Duplication.
Genome position: GRCh38 VCF-style: chr9-35658022-T-TCCTCAGCTTCACAGAGTA. GRCh37 (hg19) VCF-style: chr9-35658019-T-TCCTCAGCTTCACAGAGTA.
Identifiers: ClinVar variation 971831 (VCV000971831.9), dbSNP rs1823637755, ClinGen allele CA1139660929.

ClinVar aggregate classification (germline): Likely pathogenic (1 of 4 stars; one submission).

Conditions:
Anauxetic dysplasia. Identifiers: Orphanet 93347, MedGen C1846796, MONDO:0011773.

Allele frequency attached by ClinVar (database versions not stated): gnomAD exomes below 0.00001.

Submission:

Labcorp Genetics (formerly Invitae), Labcorp
Classification: Likely pathogenic for Anauxetic dysplasia. Last evaluated: 2021-05-27. Review status: criteria provided, single submitter. Criteria: Invitae Variant Classification Sherloc (09022015). Collection method: clinical testing. Allele origin: germline.
Comment: In summary, the currently available evidence indicates that the variant is pathogenic, but additional data are needed to prove that conclusively. Therefore, this variant has been classified as Likely Pathogenic. While functional studies for this variant have not been reported, experimental analyses using patient derived cells, as well as in vitro transfection studies, have shown that promoter insertions result in silencing of RMRP transcription and reduced expression of the gene product (PMID: 11207361, 16254002). While this particular variant has not been reported in the literature, it is located in the promoter region between the TATA box and the transcription initiation site, and other insertions and duplications immediately upstream of the coding sequence have been reported in individuals affected with cartilage-hair hypoplasia-anauxetic dysplasia (CHH-AD) spectrum disorders (PMID: 16244706, 11207361, 12107819). The frequency data for this variant in the population databases is considered unreliable, as metrics indicate insufficient coverage at this position in the ExAC database. This variant occurs in the RMRP gene, which encodes an RNA molecule that does not result in a protein product.

Literature cited by the submitters: PubMed 11207361; PubMed 16254002; PubMed 16244706; PubMed 12107819.